The following is an entry in ClinVar:

NM_000551.4(VHL):c.281A>T (p.Glu94Val)

Gene: VHL (von Hippel-Lindau tumor suppressor; plus strand). Cytogenetic location: 3p25.3.
Variant type: single nucleotide variant.
Coding change: c.281A>T on transcript NM_000551.4 (MANE Select); coding-DNA position 281, A replaced by T.
Protein change: p.Glu94Val; replaces glutamic acid 94 with valine.
Molecular consequence: missense variant.
Genome position (GRCh38, 1-based): chr3:10,142,128, A>T. VCF-style: chr3-10142128-A-T. GRCh37 (hg19) VCF-style: chr3-10183812-A-T.
Other names: c.281A>T, p.Glu94Val (NM_001354723.2, NM_198156.3); short protein forms E94V.
Identifiers: ClinVar variation 1950559 (VCV001950559.2), dbSNP rs2125125226, ClinGen allele CA351750794.

ClinVar aggregate classification (germline): Uncertain significance (1 of 4 stars; one submission).

Conditions:
Chuvash polycythemia. Also called: POLYCYTHEMIA, VHL-DEPENDENT. Identifiers: Orphanet 238557, MedGen C1837915, MONDO:0009892, OMIM 263400.
Von Hippel-Lindau syndrome (VHLS). Also called: Von Hippel-Lindau; von Hippel–Lindau syndrome; VHL syndrome. Identifiers: Orphanet 892, MedGen C0019562, MONDO:0008667, OMIM 193300. Disease mechanism: loss of function.

Submission:

Labcorp Genetics (formerly Invitae), Labcorp
Classification: Uncertain significance for Von Hippel-Lindau syndrome; Chuvash polycythemia. Last evaluated: 2022-09-27. Review status: criteria provided, single submitter. Criteria: Invitae Variant Classification Sherloc (09022015). Collection method: clinical testing. Allele origin: germline.
Comment: This sequence change replaces glutamic acid, which is acidic and polar, with valine, which is neutral and non-polar, at codon 94 of the VHL protein (p.Glu94Val). This variant is not present in population databases (gnomAD no frequency). This variant has not been reported in the literature in individuals affected with VHL-related conditions. Advanced modeling of protein sequence and biophysical properties (such as structural, functional, and spatial information, amino acid conservation, physicochemical variation, residue mobility, and thermodynamic stability) performed at Invitae indicates that this missense variant is expected to disrupt VHL protein function. In summary, the available evidence is currently insufficient to determine the role of this variant in disease. Therefore, it has been classified as a Variant of Uncertain Significance.